The following is an entry in ClinVar:

NM_005876.5(SPEG):c.5999C>T (p.Ala2000Val)

Genes: ASIC4-AS1 (ASIC4 antisense RNA 1; minus strand), SPEG (striated muscle enriched protein kinase; plus strand). Cytogenetic location: 2q35.
Variant type: single nucleotide variant.
Coding change: c.5999C>T on transcript NM_005876.5 (MANE Select); coding-DNA position 5999, C replaced by T.
Protein change: p.Ala2000Val; replaces alanine 2000 with valine.
Molecular consequence: missense variant.
Genome position (GRCh38, 1-based): chr2:219,483,462, C>T. VCF-style: chr2-219483462-C-T. GRCh37 (hg19) VCF-style: chr2-220348184-C-T.
Other names: short protein forms A2000V.
Identifiers: ClinVar variation 1426997 (VCV001426997.6), dbSNP rs2125553402, ClinGen allele CA350694619.

ClinVar aggregate classification (germline): Uncertain significance (1 of 4 stars; one submission).

Submission:

Labcorp Genetics (formerly Invitae), Labcorp
Classification: Uncertain significance. Last evaluated: 2022-08-09. Review status: criteria provided, single submitter. Criteria: Invitae Variant Classification Sherloc (09022015). Collection method: clinical testing. Allele origin: germline.
Comment: This sequence change replaces alanine, which is neutral and non-polar, with valine, which is neutral and non-polar, at codon 2000 of the SPEG protein (p.Ala2000Val). In summary, the available evidence is currently insufficient to determine the role of this variant in disease. Therefore, it has been classified as a Variant of Uncertain Significance. Algorithms developed to predict the effect of missense changes on protein structure and function (SIFT, PolyPhen-2, Align-GVGD) all suggest that this variant is likely to be tolerated. ClinVar contains an entry for this variant (Variation ID: 1426997). This variant has not been reported in the literature in individuals affected with SPEG-related conditions. This variant is not present in population databases (gnomAD no frequency).